The following is an entry in ClinVar:

NM_001081.4(CUBN):c.2441A>G (p.Gln814Arg)

Gene: CUBN (cubilin; minus strand). Cytogenetic location: 10p13.
Variant type: single nucleotide variant.
Coding change: c.2441A>G on transcript NM_001081.4 (MANE Select); coding-DNA position 2441, A replaced by G.
Protein change: p.Gln814Arg; replaces glutamine 814 with arginine.
Molecular consequence: missense variant.
Genome position (GRCh38, 1-based): chr10:17,071,832, T>C on the plus strand (A>G on the coding strand, the complement: CUBN is on the minus strand). VCF-style: chr10-17071832-T-C. GRCh37 (hg19) VCF-style: chr10-17113831-T-C.
Other names: short protein forms Q814R.
Identifiers: ClinVar variation 880401 (VCV000880401.14), dbSNP rs770392464, ClinGen allele CA5424993.

ClinVar aggregate classification (germline): Uncertain significance. Review status: criteria provided, multiple submitters, no conflicts (2 of 4 stars). 4 submissions from 4 submitters: Uncertain significance (4). Last evaluated 2023-12-21.

Conditions:
Inborn genetic diseases. Identifiers: MedGen C0950123, MeSH D030342.
Imerslund-Grasbeck syndrome. Also called: ENTEROCYTE COBALAMIN MALABSORPTION; ENTEROCYTE INTRINSIC FACTOR RECEPTOR, DEFECT OF; Imerslund-Gräsbeck syndrome; Megaloblastic anemia due to inborn errors of metabolism; PERNICIOUS ANEMIA, JUVENILE, DUE TO SELECTIVE INTESTINAL MALABSORPTION OF VITAMIN B12, WITH PROTEINURIA. Identifiers: Orphanet 35858, MedGen C4551825, MONDO:0009853.
Imerslund-Grasbeck syndrome type 1 (IGS1). Also called: Megaloblastic anemia 1, Finnish type; Imerslund-Gräsbeck syndrome 1; MEGALOBLASTIC ANEMIA, 1. Identifiers: MedGen C4016819, MONDO:0100156, OMIM 261100.
Proteinuria, chronic benign. Identifiers: MedGen C5394384, MONDO:0030042, OMIM 618884.

Allele frequency attached by ClinVar (database versions not stated): gnomAD 0.00001; gnomAD exomes 0.00002 and 0.00003; ExAC 0.00002; TOPMed 0.00004.
gnomAD v4.1: 52 of 1,612,188 alleles (0.0032%); highest among the groups gnomAD compares: Non-Finnish European, 0.0041%; no homozygotes.

Submissions (4):

Labcorp Genetics (formerly Invitae), Labcorp
Classification: Uncertain significance for Imerslund-Grasbeck syndrome. Last evaluated: 2023-12-21. Review status: criteria provided, single submitter. Criteria: Invitae Variant Classification Sherloc (09022015). Collection method: clinical testing. Allele origin: germline.
Comment: This sequence change replaces glutamine, which is neutral and polar, with arginine, which is basic and polar, at codon 814 of the CUBN protein (p.Gln814Arg). This variant is present in population databases (rs770392464, gnomAD 0.004%). This variant has not been reported in the literature in individuals affected with CUBN-related conditions. ClinVar contains an entry for this variant (Variation ID: 880401). Advanced modeling of protein sequence and biophysical properties (such as structural, functional, and spatial information, amino acid conservation, physicochemical variation, residue mobility, and thermodynamic stability) performed at Invitae indicates that this missense variant is expected to disrupt CUBN protein function with a positive predictive value of 80%. In summary, the available evidence is currently insufficient to determine the role of this variant in disease. Therefore, it has been classified as a Variant of Uncertain Significance.

Ambry Genetics
Classification: Uncertain significance for Inborn genetic diseases. Last evaluated: 2023-10-10. Review status: criteria provided, single submitter. Criteria: Ambry Variant Classification Scheme 2023. Collection method: clinical testing. Allele origin: germline.

Fulgent Genetics
Classification: Uncertain significance for Imerslund-Grasbeck syndrome type 1; Proteinuria, chronic benign. Last evaluated: 2021-09-24. Review status: criteria provided, single submitter. Criteria: ACMG Guidelines, 2015. Collection method: clinical testing. Allele origin: unknown.

Illumina Laboratory Services, Illumina
Classification: Uncertain significance for Imerslund-Grasbeck syndrome type 1. Last evaluated: 2018-01-12. Review status: criteria provided, single submitter. Criteria: ICSL Variant Classification Criteria 13 December 2019. Collection method: clinical testing. Allele origin: germline.